The following is an entry in ClinVar:

ClinVar aggregate classification (germline): Conflicting classifications of pathogenicity. Review status: criteria provided, conflicting classifications (1 of 4 stars). 6 submissions from 6 submitters: Uncertain significance (3); Likely benign (2). 1 of the submissions does not count toward it. Last evaluated 2025-12-05.

Conditions:
Intellectual developmental disorder with dysmorphic facies, seizures, and distal limb anomalies (IDDFSDA). Identifiers: Orphanet 505237, MedGen C4479520, MONDO:0044319, OMIM 617452.
OTUD6B-related disorder. Also called: OTUD6B-related condition.

Allele frequency attached by ClinVar (database versions not stated): gnomAD 0.00108 and 0.00119; TOPMed 0.00120; 1000 Genomes Project 0.00200; ESP Exome Variant Server 0.00223; 1000 Genomes Project 30x 0.00250.

Submissions (6):

GeneDx
Classification: Uncertain significance. Last evaluated: 2025-12-05. Review status: criteria provided, single submitter. Criteria: GeneDx Variant Classification Process June 2021. Collection method: clinical testing. Allele origin: germline. Affected: yes.
Comment: In silico analysis indicates that this missense variant does not alter protein structure/function; Has not been previously published as pathogenic or benign to our knowledge

Blueprint Genetics
Classification: Likely benign. Last evaluated: 2024-10-31. Review status: criteria provided, single submitter. Criteria: ACMG Guidelines, 2015. Collection method: clinical testing. Allele origin: germline.

Women's Health and Genetics/Laboratory Corporation of America, LabCorp
Classification: Uncertain significance. Last evaluated: 2019-11-12. Review status: criteria provided, single submitter. Criteria: LabCorp Variant Classification Summary - May 2015. Collection method: clinical testing. Allele origin: germline.
Comment: Variant summary: OTUD6B c.52A>G (p.Arg18Gly) results in a non-conservative amino acid change in the encoded protein sequence. Four of five in-silico tools predict a benign effect of the variant on protein function. The variant allele was found at a frequency of 0.00037 in 248344 control chromosomes, predominantly at a frequency of 0.0046 within the African or African-American subpopulation in the gnomAD database. The observed variant frequency within African or African-American control individuals in the gnomAD database is approximately 4-fold of the estimated maximal expected allele frequency for a pathogenic variant in OTUD6B causing Intellectual developmental disorder with dysmorphic facies, seizures, and distal limb anomalies phenotype (0.0011), strongly suggesting that the variant is a benign polymorphism found primarily in populations of African or African-American origin. To our knowledge, no occurrence of c.52A>G in individuals affected with Intellectual developmental disorder with dysmorphic facies, seizures, and distal limb anomalies and no experimental evidence demonstrating its impact on protein function have been reported. No clinical diagnostic laboratories have submitted clinical-significance assessments for this variant to ClinVar after 2014. Based on the evidence outlined above, the variant was classified as VUS-possibly benign.

Labcorp Genetics (formerly Invitae), Labcorp
Classification: Likely benign. Last evaluated: 2018-11-15. Review status: criteria provided, single submitter. Criteria: Invitae Variant Classification Sherloc (09022015). Collection method: clinical testing. Allele origin: germline.

Baylor Genetics
Classification: Uncertain significance for Intellectual developmental disorder with dysmorphic facies, seizures, and distal limb anomalies. Last evaluated: 2018-04-11. Review status: criteria provided, single submitter. Criteria: ACMG Guidelines, 2015. Collection method: clinical testing. Allele origin: maternal. Affected: yes.
Comment: This variant was determined to be of uncertain significance according to ACMG Guidelines, 2015 [PMID:25741868].

PreventionGenetics, part of Exact Sciences
Classification: Likely benign for OTUD6B-related condition. Last evaluated: 2022-10-31. Review status: no assertion criteria provided. Collection method: clinical testing. Allele origin: germline. Not counted in ClinVar's aggregate classification.
Comment: This variant is classified as likely benign based on ACMG/AMP sequence variant interpretation guidelines (Richards et al. 2015 PMID: 25741868, with internal and published modifications).

NM_016023.5(OTUD6B):c.-39A>G

Gene: OTUD6B (OTU deubiquitinase 6B; plus strand). Cytogenetic location: 8q21.3.
Variant type: single nucleotide variant.
Coding change: c.-39A>G on transcript NM_016023.5 (MANE Select); 39 bases upstream of the start codon, A replaced by G.
Molecular consequence: 5 prime UTR variant.
Genome position (GRCh38, 1-based): chr8:91,070,346, A>G. VCF-style: chr8-91070346-A-G. GRCh37 (hg19) VCF-style: chr8-92082574-A-G.
Other names: c.-482A>G (NM_001286745.3).
Identifiers: ClinVar variation 711501 (VCV000711501.15), dbSNP rs199542428, ClinGen allele CA4804639.